The following is an entry in ClinVar:

ClinVar aggregate classification (germline): Uncertain significance. Review status: criteria provided, multiple submitters, no conflicts (2 of 4 stars). 2 submissions from 2 submitters: Uncertain significance (2). Last evaluated 2025-02-16.

Conditions:
Ehlers-Danlos syndrome, type 4 (EDSVASC). Also called: Ehlers-Danlos syndrome vascular type; Ehlers Danlos syndrome, ecchymotic type; Ehlers Danlos syndrome, arterial type; Ehlers Danlos syndrome, Sack-Barabas type; Ehlers-Danlos Syndrome Type IV. Identifiers: Orphanet 286, MedGen C0268338, MONDO:0017314, OMIM 130050.

Allele frequency attached by ClinVar (database versions not stated): gnomAD exomes below 0.00001; ExAC 0.00001; TOPMed 0.00002.
gnomAD v4.1: 1 of 1,614,054 alleles (0.000062%); highest among the groups gnomAD compares: African/African-American, 0.0013%; no homozygotes.

Submissions (2):

Labcorp Genetics (formerly Invitae), Labcorp
Classification: Uncertain significance for Ehlers-Danlos syndrome, type 4. Last evaluated: 2025-02-16. Review status: criteria provided, single submitter. Criteria: Invitae Variant Classification Sherloc (09022015). Collection method: clinical testing. Allele origin: germline.
Comment: This sequence change replaces proline, which is neutral and non-polar, with serine, which is neutral and polar, at codon 788 of the COL3A1 protein (p.Pro788Ser). This variant is present in population databases (rs749803388, gnomAD 0.007%). This variant has not been reported in the literature in individuals affected with COL3A1-related conditions. ClinVar contains an entry for this variant (Variation ID: 928602). Invitae Evidence Modeling of protein sequence and biophysical properties (such as structural, functional, and spatial information, amino acid conservation, physicochemical variation, residue mobility, and thermodynamic stability) indicates that this missense variant is not expected to disrupt COL3A1 protein function with a negative predictive value of 95%. In summary, the available evidence is currently insufficient to determine the role of this variant in disease. Therefore, it has been classified as a Variant of Uncertain Significance.

Women's Health and Genetics/Laboratory Corporation of America, LabCorp
Classification: Uncertain significance. Last evaluated: 2019-12-09. Review status: criteria provided, single submitter. Criteria: LabCorp Variant Classification Summary - May 2015. Collection method: clinical testing. Allele origin: germline.
Comment: Variant summary: COL3A1 c.2362C>T (p.Pro788Ser) results in a non-conservative amino acid change in the encoded protein sequence. Three of five in-silico tools predict a damaging effect of the variant on protein function. The variant allele was found at a frequency of 4e-06 in 251476 control chromosomes (gnomAD). The available data on variant occurrences in the general population are insufficient to allow any conclusion about variant significance. To our knowledge, no occurrence of c.2362C>T in individuals affected with Aortopathy and no experimental evidence demonstrating its impact on protein function have been reported. No clinical diagnostic laboratories have submitted clinical-significance assessments for this variant to ClinVar after 2014. Based on the evidence outlined above, the variant was classified as uncertain significance.

NM_000090.4(COL3A1):c.2362C>T (p.Pro788Ser)

Genes: COL3A1 (collagen type III alpha 1 chain; plus strand), LOC126806446 (P300/CBP strongly-dependent group 1 enhancer GRCh37_chr2:189866210-189867409; plus strand). Cytogenetic location: 2q32.2.
Variant type: single nucleotide variant.
Coding change: c.2362C>T on transcript NM_000090.4 (MANE Select); coding-DNA position 2362, C replaced by T.
Protein change: p.Pro788Ser; replaces proline 788 with serine.
Molecular consequence: missense variant.
Genome position (GRCh38, 1-based): chr2:189,001,560, C>T. VCF-style: chr2-189001560-C-T. GRCh37 (hg19) VCF-style: chr2-189866286-C-T.
Other names: short protein forms P788S.
Identifiers: ClinVar variation 928602 (VCV000928602.10), dbSNP rs749803388, ClinGen allele CA075252.